The following is an entry in ClinVar:

NM_014634.4(PPM1F):c.1157G>A (p.Gly386Glu)

Gene: PPM1F (protein phosphatase, Mg2+/Mn2+ dependent 1F; minus strand). Cytogenetic location: 22q11.22.
Variant type: single nucleotide variant.
Coding change: c.1157G>A on transcript NM_014634.4 (MANE Select); coding-DNA position 1157, G replaced by A.
Protein change: p.Gly386Glu; replaces glycine 386 with glutamic acid.
Molecular consequence: missense variant.
Genome position (GRCh38, 1-based): chr22:21,923,300, C>T on the plus strand (G>A on the coding strand, the complement: PPM1F is on the minus strand). VCF-style: chr22-21923300-C-T. GRCh37 (hg19) VCF-style: chr22-22277673-C-T.
Other names: c.653G>A, p.Gly218Glu (NM_001410836.1); c.1157G>A (NM_014634.3); short protein forms G386E, G218E.
Identifiers: ClinVar variation 2082633 (VCV002082633.8), dbSNP rs758369684, ClinGen allele CA10124867.

ClinVar aggregate classification (germline): Uncertain significance. Review status: criteria provided, multiple submitters, no conflicts (2 of 4 stars). 3 submissions from 3 submitters: Uncertain significance (3). Last evaluated 2026-07-10.

Conditions:
PPM1F-related condition.

Allele frequency attached by ClinVar (database versions not stated): gnomAD 0.00002; gnomAD exomes 0.00003; TOPMed 0.00003; ExAC 0.00006.
gnomAD v4.1: 50 of 1,613,362 alleles (0.0031%); highest among the groups gnomAD compares: South Asian, 0.026%; no homozygotes.

Submissions (3):

PreventionGenetics, part of Exact Sciences
Classification: Uncertain significance for PPM1F-related condition. Last evaluated: 2026-07-10. Review status: criteria provided, single submitter. Criteria: ACMG Guidelines, 2015. Collection method: clinical testing. Allele origin: germline.
Comment: The PPM1F c.1157G>A variant is predicted to result in the amino acid substitution p.Gly386Glu. To our knowledge, this variant has not been reported in the literature. This variant is reported in 0.029% of alleles in individuals of South Asian descent in gnomAD. At this time, the clinical significance of this variant is uncertain due to the absence of conclusive functional and genetic evidence.

Ambry Genetics
Classification: Uncertain significance. Last evaluated: 2025-03-03. Review status: criteria provided, single submitter. Criteria: Ambry Variant Classification Scheme 2023. Collection method: clinical testing. Allele origin: germline.

Labcorp Genetics (formerly Invitae), Labcorp
Classification: Uncertain significance. Last evaluated: 2024-10-22. Review status: criteria provided, single submitter. Criteria: Invitae Variant Classification Sherloc (09022015). Collection method: clinical testing. Allele origin: germline.
Comment: This sequence change replaces glycine, which is neutral and non-polar, with glutamic acid, which is acidic and polar, at codon 386 of the PPM1F protein (p.Gly386Glu). This variant is present in population databases (rs758369684, gnomAD 0.03%). This variant has not been reported in the literature in individuals affected with PPM1F-related conditions. ClinVar contains an entry for this variant (Variation ID: 2082633). An algorithm developed to predict the effect of missense changes on protein structure and function outputs the following: PolyPhen-2: "Benign". The glutamic acid amino acid residue is found in multiple mammalian species, which suggests that this missense change does not adversely affect protein function. In summary, the available evidence is currently insufficient to determine the role of this variant in disease. Therefore, it has been classified as a Variant of Uncertain Significance.